The following is an entry in ClinVar:

NM_000264.5(PTCH1):c.3911G>A (p.Arg1304Lys)

Gene: PTCH1 (patched 1; minus strand). Cytogenetic location: 9q22.32.
Variant type: single nucleotide variant.
Coding change: c.3911G>A on transcript NM_000264.5 (MANE Select); coding-DNA position 3911, G replaced by A.
Protein change: p.Arg1304Lys; replaces arginine 1304 with lysine.
Molecular consequence: missense variant. On other transcripts: non-coding transcript variant (1).
Genome position (GRCh38, 1-based): chr9:95,447,345, C>T on the plus strand (G>A on the coding strand, the complement: PTCH1 is on the minus strand). VCF-style: chr9-95447345-C-T. GRCh37 (hg19) VCF-style: chr9-98209627-C-T.
Other names: c.3713G>A, p.Arg1238Lys (NM_001083602.3); c.3908G>A, p.Arg1303Lys (NM_001083603.3); c.3458G>A, p.Arg1153Lys (NM_001083604.3, NM_001083605.3, NM_001083606.3 and 1 more transcripts); c.3755G>A, p.Arg1252Lys (NM_001354918.2); c.3911G>A (NM_000264.3); short protein forms R1153K, R1238K, R1252K, R1303K, R1304K.
Identifiers: ClinVar variation 1026864 (VCV001026864.10), dbSNP rs1838039734, ClinGen allele CA374110679.

ClinVar aggregate classification (germline): Uncertain significance. Review status: criteria provided, multiple submitters, no conflicts (2 of 4 stars). 2 submissions from 2 submitters: Uncertain significance (2). Last evaluated 2024-08-23.

Conditions:
Hereditary cancer-predisposing syndrome. Also called: Hereditary neoplastic syndrome; Neoplastic Syndromes, Hereditary; Tumor predisposition; Hereditary Cancer Syndrome. Identifiers: Orphanet 140162, MedGen C0027672, MeSH D009386, MONDO:0015356.
Gorlin syndrome. Also called: Nevoid Basal Cell Carcinoma Syndrome; Basal cell nevus syndrome. Identifiers: Orphanet 377, MedGen C0004779, MONDO:0007187.

Allele frequency attached by ClinVar (database versions not stated): gnomAD exomes below 0.00001.
gnomAD v4.1: 5 of 1,613,500 alleles (0.00031%); highest among the groups gnomAD compares: Non-Finnish European, 0.00042%; no homozygotes.

Submissions (2):

Ambry Genetics
Classification: Uncertain significance for Hereditary cancer-predisposing syndrome. Last evaluated: 2024-08-23. Review status: criteria provided, single submitter. Criteria: Ambry Variant Classification Scheme 2023. Collection method: clinical testing. Allele origin: germline.
Comment: The p.R1304K variant (also known as c.3911G>A), located in coding exon 23 of the PTCH1 gene, results from a G to A substitution at nucleotide position 3911. This alteration was identified in 1/1358 non-cancer control individuals and in 0/57 cases, in a study looking at cancer predisposition mutations in patients with cutaneous melanoma and a history of at least two additional non-cutaneous melanoma primary cancers (Pritchard AL et al. PLoS One, 2018 Apr;13:e0194098). The arginine at codon 1304 is replaced by lysine, an amino acid with highly similar properties. This amino acid position is highly conserved in available vertebrate species. In addition, the in silico prediction for this alteration is inconclusive. Based on the available evidence, the clinical significance of this variant remains unclear.

Labcorp Genetics (formerly Invitae), Labcorp
Classification: Uncertain significance for Gorlin syndrome. Last evaluated: 2020-07-07. Review status: criteria provided, single submitter. Criteria: Invitae Variant Classification Sherloc (09022015). Collection method: clinical testing. Allele origin: germline.
Comment: In summary, the available evidence is currently insufficient to determine the role of this variant in disease. Therefore, it has been classified as a Variant of Uncertain Significance. Algorithms developed to predict the effect of missense changes on protein structure and function (SIFT, PolyPhen-2, Align-GVGD) all suggest that this variant is likely to be tolerated, but these predictions have not been confirmed by published functional studies and their clinical significance is uncertain. This variant has not been reported in the literature in individuals with PTCH1-related conditions. This variant is not present in population databases (ExAC no frequency). This sequence change replaces arginine with lysine at codon 1304 of the PTCH1 protein (p.Arg1304Lys). The arginine residue is weakly conserved and there is a small physicochemical difference between arginine and lysine.

Literature cited by the submitters: PubMed 29641532 (cited by Ambry Genetics).